The following is an entry in ClinVar:

ClinVar aggregate classification (germline): Uncertain significance (1 of 4 stars; one submission).

gnomAD v4.1: 1 of 1,613,906 alleles (0.000062%); highest among the groups gnomAD compares: South Asian, 0.0011%; no homozygotes.

Submission:

Ambry Genetics
Classification: Uncertain significance. Last evaluated: 2024-11-17. Review status: criteria provided, single submitter. Criteria: Ambry Variant Classification Scheme 2023. Collection method: clinical testing. Allele origin: germline.
Comment: The p.E1686D variant (also known as c.5058G>C), located in coding exon 4 of the ALPK2 gene, results from a G to C substitution at nucleotide position 5058. The glutamic acid at codon 1686 is replaced by aspartic acid, an amino acid with highly similar properties. This amino acid position is conserved. In addition, this alteration is predicted to be tolerated by in silico analysis. Based on the available evidence, the clinical significance of this variant remains unclear.

NM_052947.4(ALPK2):c.5058G>C (p.Glu1686Asp)

Genes: ALPK2 (alpha kinase 2; minus strand), LOC130062577 (ATAC-STARR-seq lymphoblastoid active region 13389; plus strand). Cytogenetic location: 18q21.31.
Variant type: single nucleotide variant.
Coding change: c.5058G>C on transcript NM_052947.4 (MANE Select); coding-DNA position 5058, G replaced by C.
Protein change: p.Glu1686Asp; replaces glutamic acid 1686 with aspartic acid.
Molecular consequence: missense variant.
Genome position (GRCh38, 1-based): chr18:58,535,129, C>G on the plus strand (G>C on the coding strand, the complement: ALPK2 is on the minus strand). VCF-style: chr18-58535129-C-G. GRCh37 (hg19) VCF-style: chr18-56202361-C-G.
Other names: short protein forms E1686D.
Identifiers: ClinVar variation 3532158 (VCV003532158.1).